The following is an entry in ClinVar:

NM_001692.4(ATP6V1B1):c.362T>A (p.Met121Lys)

Gene: ATP6V1B1 (ATPase H+ transporting V1 subunit B1; plus strand). Cytogenetic location: 2p13.3.
Variant type: single nucleotide variant.
Coding change: c.362T>A on transcript NM_001692.4 (MANE Select); coding-DNA position 362, T replaced by A.
Protein change: p.Met121Lys; replaces methionine 121 with lysine.
Molecular consequence: missense variant.
Genome position (GRCh38, 1-based): chr2:70,958,421, T>A. VCF-style: chr2-70958421-T-A. GRCh37 (hg19) VCF-style: chr2-71185551-T-A.
Other names: short protein forms M121K.
Identifiers: ClinVar variation 228449 (VCV000228449.6), dbSNP rs201325403, ClinGen allele CA1701006.

ClinVar aggregate classification (germline): Uncertain significance. Review status: criteria provided, multiple submitters, no conflicts (2 of 4 stars). 3 submissions from 3 submitters: Uncertain significance (2). 1 of the submissions does not count toward it. Last evaluated 2023-11-13.

Conditions:
Renal tubular acidosis with progressive nerve deafness. Also called: renal tubular acidosis, distal, 2, with progressive sensorineural hearing loss; Distal Renal Tubular Acidosis with Progressive Sensorineural Deafness; RENAL TUBULAR ACIDOSIS, AUTOSOMAL RECESSIVE, WITH PROGRESSIVE NERVE DEAFNESS; RTA WITH PROGRESSIVE NERVE DEAFNESS. Identifiers: MedGen C0403554, MONDO:0009968, OMIM 267300.

Allele frequency attached by ClinVar (database versions not stated): gnomAD 0.00001; TOPMed 0.00002.

Submissions (3):

Blueprint Genetics
Classification: Uncertain significance. Last evaluated: 2023-11-13. Review status: criteria provided, single submitter. Criteria: ACMG Guidelines, 2015. Collection method: clinical testing. Allele origin: germline.

Laboratory for Molecular Medicine, Mass General Brigham Personalized Medicine
Classification: Uncertain significance. Last evaluated: 2017-11-02. Review status: criteria provided, single submitter. Criteria: LMM Criteria. Collection method: clinical testing. Allele origin: germline. Observed: 1 variant allele.
Comment: The p.Met121Lys variant in ATP6V1B1 has not been previously reported in individu als with hearing loss, but has been identified in 8/126596 European chromosomes by the Genome Aggregation Database (gnomAD; d bSNP rs201325403). Although this variant has been seen in the general population , its frequency is not high enough to rule out a pathogenic role. Computational prediction tools and conservation analysis suggest that the p.Met121Lys variant may impact the protein, though this information is not predictive enough to dete rmine pathogenicity. In summary, the clinical significance of the p.Met121Lys va riant is uncertain. ACMG/AMP Criteria applied: PM2, PP3 (Richards 2015).

Natera, Inc.
Classification: Uncertain significance for Renal tubular acidosis with progressive nerve deafness. Last evaluated: 2019-10-28. Review status: no assertion criteria provided. Collection method: clinical testing. Allele origin: germline. Not counted in ClinVar's aggregate classification.